The following is an entry in ClinVar:

ClinVar aggregate classification (germline): Uncertain significance (1 of 4 stars; one submission).

gnomAD v4.1: 14 of 1,614,114 alleles (0.00087%); highest among the groups gnomAD compares: African/African-American, 0.0013%; no homozygotes.

Submission:

GeneDx
Classification: Uncertain significance. Last evaluated: 2025-07-03. Review status: criteria provided, single submitter. Criteria: GeneDx Variant Classification Process June 2021. Collection method: clinical testing. Allele origin: germline. Affected: yes.
Comment: Not observed at significant frequency in large population cohorts (gnomAD); In silico analysis supports that this missense variant has a deleterious effect on protein structure/function; Has not been previously published as pathogenic or benign to our knowledge

NM_004999.4(MYO6):c.1285A>G (p.Ser429Gly)

Gene: MYO6 (myosin VI; plus strand). Cytogenetic location: 6q14.1.
Variant type: single nucleotide variant.
Coding change: c.1285A>G on transcript NM_004999.4 (MANE Select); coding-DNA position 1285, A replaced by G.
Protein change: p.Ser429Gly; replaces serine 429 with glycine.
Molecular consequence: missense variant. On other transcripts: non-coding transcript variant (1).
Genome position (GRCh38, 1-based): chr6:75,857,158, A>G. VCF-style: chr6-75857158-A-G. GRCh37 (hg19) VCF-style: chr6-76566875-A-G.
Other names: c.1285A>G, p.Ser429Gly (NM_001300899.2, NM_001368136.1, NM_001368137.1 and 2 more transcripts); c.1270A>G, p.Ser424Gly (NM_001368138.1); short protein forms S424G, S429G.
Identifiers: ClinVar variation 4680962 (VCV004680962.1).